The following is an entry in ClinVar:

NM_032833.5(PPP1R15B):c.1558C>G (p.Leu520Val)

Gene: PPP1R15B (protein phosphatase 1 regulatory subunit 15B; minus strand). Cytogenetic location: 1q32.1.
Variant type: single nucleotide variant.
Coding change: c.1558C>G on transcript NM_032833.5 (MANE Select); coding-DNA position 1558, C replaced by G.
Protein change: p.Leu520Val; replaces leucine 520 with valine.
Molecular consequence: missense variant.
Genome position (GRCh38, 1-based): chr1:204,409,854, G>C on the plus strand (C>G on the coding strand, the complement: PPP1R15B is on the minus strand). VCF-style: chr1-204409854-G-C. GRCh37 (hg19) VCF-style: chr1-204378982-G-C.
Other names: short protein forms L520V.
Identifiers: ClinVar variation 3217507 (VCV003217507.3), dbSNP rs758181086, ClinGen allele CA1346608.

ClinVar aggregate classification (germline): Uncertain significance. Review status: criteria provided, multiple submitters, no conflicts (2 of 4 stars). 2 submissions from 2 submitters: Uncertain significance (2). Last evaluated 2024-05-31.

Conditions:
Inborn genetic diseases. Identifiers: MedGen C0950123, MeSH D030342.

Allele frequency attached by ClinVar (database versions not stated): ExAC 0.00001; gnomAD exomes 0.00001; gnomAD 0.00002.
gnomAD v4.1: 13 of 1,614,000 alleles (0.00081%); highest among the groups gnomAD compares: Admixed American, 0.0067%; no homozygotes.

Submissions (2):

Labcorp Genetics (formerly Invitae), Labcorp
Classification: Uncertain significance. Last evaluated: 2024-05-31. Review status: criteria provided, single submitter. Criteria: Invitae Variant Classification Sherloc (09022015). Collection method: clinical testing. Allele origin: germline.
Comment: This sequence change replaces leucine, which is neutral and non-polar, with valine, which is neutral and non-polar, at codon 520 of the PPP1R15B protein (p.Leu520Val). This variant is present in population databases (rs758181086, gnomAD 0.009%). This variant has not been reported in the literature in individuals affected with PPP1R15B-related conditions. Advanced modeling of protein sequence and biophysical properties (such as structural, functional, and spatial information, amino acid conservation, physicochemical variation, residue mobility, and thermodynamic stability) performed at Invitae indicates that this missense variant is not expected to disrupt PPP1R15B protein function with a negative predictive value of 80%. In summary, the available evidence is currently insufficient to determine the role of this variant in disease. Therefore, it has been classified as a Variant of Uncertain Significance.

Ambry Genetics
Classification: Uncertain significance for Inborn genetic diseases. Last evaluated: 2023-11-28. Review status: criteria provided, single submitter. Criteria: Ambry Variant Classification Scheme 2023. Collection method: clinical testing. Allele origin: germline.